The following is an entry in ClinVar:

ClinVar aggregate classification (germline): Likely pathogenic (1 of 4 stars; one submission).

Conditions:
Polycystic kidney disease 4 (PKD4). Also called: POLYCYSTIC KIDNEY AND HEPATIC DISEASE 1; POLYCYSTIC KIDNEY DISEASE, INFANTILE, TYPE I; POLYCYSTIC KIDNEY DISEASE 4 WITH OR WITHOUT POLYCYSTIC LIVER DISEASE; PKD3; Autosomal Recessive Polycystic Kidney Disease – PKHD1. Identifiers: MedGen C4540575, MONDO:0033004, OMIM 263200.

Submission:

Myriad Genetics, Inc.
Classification: Likely pathogenic for Polycystic kidney disease 4. Last evaluated: 2021-12-16. Review status: criteria provided, single submitter. Criteria: Myriad Women's Health Autosomal Recessive and X-Linked Classification Criteria (2021). Collection method: clinical testing. Allele origin: unknown.
Comment: NM_138694.3(PKHD1):c.5808_5809delTG(E1937Kfs*22) is expected to be pathogenic in the context of autosomal recessive polycystic kidney disease, PKHD1-related. This variant is predicted to lead to an abnormal or absent protein product due to the creation of a premature termination codon in PKHD1, a gene where loss-of-function variants are known to be pathogenic. Please note: this variant was assessed in the context of healthy population screening.

NM_138694.4(PKHD1):c.5808_5809del (p.Glu1937fs)

Gene: PKHD1 (PKHD1 ciliary IPT domain containing fibrocystin/polyductin; minus strand). Cytogenetic location: 6p12.2.
Variant type: Deletion.
Coding change: c.5808_5809del on transcript NM_138694.4 (MANE Select); coding-DNA positions 5808 to 5809, 2 bases deleted (TG; older notation c.5808_5809delTG).
Protein change: p.Glu1937fs; shifts the reading frame from glutamic acid 1937.
Molecular consequence: frameshift variant.
Genome position (GRCh38, 1-based): chr6:51,959,969-51,959,970, CA deleted on the plus strand (TG on the coding strand, the reverse complement: PKHD1 is on the minus strand). VCF-style (leftmost placement, unchanged base first): chr6-51959968-TCA-T. GRCh37 (hg19) VCF-style: chr6-51824766-TCA-T.
Other names: c.5808_5809del, p.Glu1937fs (NM_170724.3); short protein forms E1937fs.
Identifiers: ClinVar variation 1726340 (VCV001726340.2), dbSNP rs2537380561, ClinGen allele CA2580075463.